The following is an entry in ClinVar:

ClinVar aggregate classification (germline): Likely benign. Review status: criteria provided, multiple submitters, no conflicts (2 of 4 stars). 2 submissions from 2 submitters: Likely benign (2). Last evaluated 2018-06-16.

Allele frequency attached by ClinVar (database versions not stated): gnomAD 0.01235 and 0.01325; 1000 Genomes Project 0.01238; 1000 Genomes Project 30x 0.01374; TOPMed 0.01391.
gnomAD v4.1: 1,873 of 152,306 alleles (1.2%); highest among the groups gnomAD compares: African/African-American, 4.3%; 29 homozygotes.

Submissions (2):

GeneDx
Classification: Likely benign. Last evaluated: 2018-06-16. Review status: criteria provided, single submitter. Criteria: GeneDx Variant Classification (06012015). Collection method: clinical testing. Allele origin: germline. Affected: yes.
Comment: This variant is considered likely benign or benign based on one or more of the following criteria: it is a conservative change, it occurs at a poorly conserved position in the protein, it is predicted to be benign by multiple in silico algorithms, and/or has population frequency not consistent with disease.

Breakthrough Genomics
Classification: Likely benign. Review status: criteria provided, single submitter. Criteria: ACMG Guidelines, 2015. Collection method: not provided. Allele origin: germline. Inheritance: Autosomal recessive inheritance. Affected: yes.

NM_006440.5(TXNRD2):c.172+182C>T

Gene: TXNRD2 (thioredoxin reductase 2; minus strand). Cytogenetic location: 22q11.21.
Variant type: single nucleotide variant.
Coding change: c.172+182C>T on transcript NM_006440.5 (MANE Select); 182 bases into the intron after coding-DNA position 172, C replaced by T.
Molecular consequence: intron variant.
Genome position (GRCh38, 1-based): chr22:19,930,848, G>A on the plus strand (C>T on the coding strand, the complement: TXNRD2 is on the minus strand). VCF-style: chr22-19930848-G-A. GRCh37 (hg19) VCF-style: chr22-19918371-G-A.
Other names: c.169+182C>T (NM_001352300.2); c.-117+182C>T (NM_001352302.2); c.82+182C>T (NM_001352301.2); c.172+182C>T (NM_001282512.3); c.76+182C>T (NM_001352303.2).
Identifiers: ClinVar variation 679119 (VCV000679119.2), dbSNP rs114490696, ClinGen allele CA322108161.
Genomic context (GRCh38, chr22:19,930,848, plus strand): 5'-AAGCAGAAGAGCTGGAGGGCTGGAGCTGAGGAAGGCAGTTCAGCCATGAAGTGCCACGGC[G>A]GCCGCTGGGTACAGCAGACAGCTGGAGAGTGGCAGGGAACAAGCCACAACACAGAGGCCA-3'